The following is an entry in ClinVar:

NM_000439.5(PCSK1):c.397-6T>C

Genes: CAST (calpastatin; plus strand), PCSK1 (proprotein convertase subtilisin/kexin type 1; minus strand), LOC101929710 (uncharacterized LOC101929710; plus strand). Cytogenetic location: 5q15.
Variant type: single nucleotide variant.
Coding change: c.397-6T>C on transcript NM_000439.5 (MANE Select); 6 bases into the intron before coding-DNA position 397, T replaced by C.
Molecular consequence: intron variant.
Genome position (GRCh38, 1-based): chr5:96,423,465, A>G on the plus strand (T>C on the coding strand, the complement: PCSK1 is on the minus strand). VCF-style: chr5-96423465-A-G. GRCh37 (hg19) VCF-style: chr5-95759169-A-G.
Other names: c.-175+43813A>G (NM_001423259.1, NM_001423255.1, NM_001423250.1 and 6 more transcripts); c.-103+43813A>G (NM_001423253.1); c.-40+43813A>G (NM_001423258.1); c.256-6T>C (NM_001177875.2).
Identifiers: ClinVar variation 3711176 (VCV003711176.3).

ClinVar aggregate classification (germline): Likely benign. Review status: criteria provided, multiple submitters, no conflicts (2 of 4 stars). 2 submissions from 2 submitters: Likely benign (2). Last evaluated 2026-04-24.

Conditions:
PCSK1-related disorder. Also called: PCSK1-related condition.

gnomAD v4.1: 90 of 1,613,724 alleles (0.0056%); highest among the groups gnomAD compares: East Asian, 0.2%; no homozygotes.

Submissions (2):

PreventionGenetics, part of Exact Sciences
Classification: Likely benign for PCSK1-related condition. Last evaluated: 2026-04-24. Review status: criteria provided, single submitter. Criteria: ACMG Guidelines, 2015. Collection method: clinical testing. Allele origin: germline.
Comment: This variant is classified as likely benign based on ACMG/AMP sequence variant interpretation guidelines (Richards et al. 2015 PMID: 25741868, with internal and published modifications).

Labcorp Genetics (formerly Invitae), Labcorp
Classification: Likely benign. Last evaluated: 2024-08-12. Review status: criteria provided, single submitter. Criteria: Invitae Variant Classification Sherloc (09022015). Collection method: clinical testing. Allele origin: germline.